The following is an entry in ClinVar:

NM_002609.4(PDGFRB):c.600T>G (p.Asp200Glu)

Gene: PDGFRB (platelet derived growth factor receptor beta; minus strand). Cytogenetic location: 5q32.
Variant type: single nucleotide variant.
Coding change: c.600T>G on transcript NM_002609.4 (MANE Select); coding-DNA position 600, T replaced by G.
Protein change: p.Asp200Glu; replaces aspartic acid 200 with glutamic acid.
Molecular consequence: missense variant.
Genome position (GRCh38, 1-based): chr5:150,134,781, A>C on the plus strand (T>G on the coding strand, the complement: PDGFRB is on the minus strand). VCF-style: chr5-150134781-A-C. GRCh37 (hg19) VCF-style: chr5-149514344-A-C.
Other names: c.408T>G, p.Asp136Glu (NM_001355016.2); c.83T>G, p.Ile28Ser (NM_001355017.2); short protein forms D136E, D200E, I28S.
Identifiers: ClinVar variation 3772409 (VCV003772409.13).

ClinVar aggregate classification (germline): Uncertain significance (1 of 4 stars; one submission).

Submission:

CeGaT Center for Human Genetics Tuebingen
Classification: Uncertain significance. Last evaluated: 2025-02-01. Review status: criteria provided, single submitter. Criteria: CeGaT Center For Human Genetics Tuebingen Variant Classification Criteria Version 2. Collection method: clinical testing. Allele origin: germline. Affected: yes. Observed: 1 variant allele.
Comment: PDGFRB: PM2, BP4